The following is an entry in ClinVar:

ClinVar aggregate classification (germline): Conflicting classifications of pathogenicity. Review status: criteria provided, conflicting classifications (1 of 4 stars). 3 submissions from 3 submitters: Uncertain significance (1); Likely benign (2). Last evaluated 2025-12-14.

Conditions:
Long QT syndrome (LQTS). Identifiers: MedGen C0023976, MeSH D008133, MONDO:0002442. Disease mechanism: loss of function. Inheritance: Various modes of inheritance.

Allele frequency attached by ClinVar (database versions not stated): TOPMed 0.00005; gnomAD 0.00009 and 0.00010; gnomAD exomes 0.00011; ExAC 0.00027.
gnomAD v4.1: 207 of 1,579,518 alleles (0.013%); highest among the groups gnomAD compares: Non-Finnish European, 0.013%; 1 homozygote.

Submissions (3):

Labcorp Genetics (formerly Invitae), Labcorp
Classification: Likely benign for Long QT syndrome. Last evaluated: 2025-12-14. Review status: criteria provided, single submitter. Criteria: Invitae Variant Classification Sherloc (09022015). Collection method: clinical testing. Allele origin: germline.

Blueprint Genetics
Classification: Likely benign. Last evaluated: 2024-11-26. Review status: criteria provided, single submitter. Criteria: ACMG Guidelines, 2015. Collection method: clinical testing. Allele origin: germline.

GeneDx
Classification: Uncertain significance. Last evaluated: 2021-07-26. Review status: criteria provided, single submitter. Criteria: GeneDx Variant Classification Process June 2021. Collection method: clinical testing. Allele origin: germline. Affected: yes.
Comment: Has not been previously published as pathogenic or benign to our knowledge; In-silico analysis, which includes splice predictors and evolutionary conservation, is inconclusive as to whether the variant alters gene splicing; in the absence of RNA/functional studies, the actual effect of this sequence change is unknown

NM_000719.7(CACNA1C):c.1509-12T>G

Gene: CACNA1C (calcium voltage-gated channel subunit alpha1 C; plus strand). Cytogenetic location: 12p13.33.
Variant type: single nucleotide variant.
Coding change: c.1509-12T>G on transcript NM_000719.7 (MANE Select); 12 bases into the intron before coding-DNA position 1509, T replaced by G.
Molecular consequence: intron variant.
Genome position (GRCh38, 1-based): chr12:2,566,410, T>G. VCF-style: chr12-2566410-T-G. GRCh37 (hg19) VCF-style: chr12-2675576-T-G.
Other names: c.1509-12T>G (NM_001167624.3, NM_001167623.2, NM_001167625.2 and 18 more transcripts); c.1500-12T>G (NM_001129844.2).
Identifiers: ClinVar variation 432540 (VCV000432540.12), dbSNP rs200412525, ClinGen allele CA6388805.
Genomic context (GRCh38, chr12:2,566,410, plus strand): 5'-TGCTGCATCTTGGGTTGGAGGAAACCTGAATTCACAGCCAACCCCACCCTTCTCTCCCTG[T>G]CCCCTTTCCAGCCGCTACTGGCGCCGGTGGAATCGGTTCTGCAGAAGGAAGTGCCGCGCC-3'